The following is an entry in ClinVar:

NM_006432.5(NPC2):c.115G>A (p.Val39Met)

Gene: NPC2 (NPC intracellular cholesterol transporter 2; minus strand). Cytogenetic location: 14q24.3.
Variant type: single nucleotide variant.
Coding change: c.115G>A on transcript NM_006432.5 (MANE Select); coding-DNA position 115, G replaced by A.
Protein change: p.Val39Met; replaces valine 39 with methionine.
Molecular consequence: missense variant.
Genome position (GRCh38, 1-based): chr14:74,486,404, C>T on the plus strand (G>A on the coding strand, the complement: NPC2 is on the minus strand). VCF-style: chr14-74486404-C-T. GRCh37 (hg19) VCF-style: chr14-74953107-C-T.
Other names: c.115G>A, p.Val39Met (NM_001363688.1, NM_001375440.1); short protein forms V39M.
Identifiers: ClinVar variation 8483 (VCV000008483.9), dbSNP rs80358261, ClinGen allele CA340794.

ClinVar aggregate classification (germline): Uncertain significance. Review status: criteria provided, multiple submitters, no conflicts (2 of 4 stars). 5 submissions from 5 submitters: Uncertain significance (2). 3 of the submissions do not count toward it. Last evaluated 2025-03-03.

Conditions:
NPC2-related disorder. Also called: NPC2-related condition.
Niemann-Pick disease, type C2 (NPC2). Identifiers: Orphanet 646, MedGen C1843366, MONDO:0011873, OMIM 607625.

Allele frequency attached by ClinVar (database versions not stated): TOPMed below 0.00001; gnomAD 0.00001; ExAC 0.00002; gnomAD exomes 0.00002 and 0.00003.
gnomAD v4.1: 42 of 1,602,146 alleles (0.0026%); highest among the groups gnomAD compares: Non-Finnish European, 0.0034%; no homozygotes.

Submissions (5):

GeneDx
Classification: Uncertain significance. Last evaluated: 2025-03-03. Review status: criteria provided, single submitter. Criteria: GeneDx Variant Classification Process June 2021. Collection method: clinical testing. Allele origin: germline. Affected: yes.
Comment: Not observed at significant frequency in large population cohorts (gnomAD); In silico analysis supports that this missense variant has a deleterious effect on protein structure/function; This variant is associated with the following publications: (PMID: 17470133, 12447927, 21436030, 15937921, 25764212)

Labcorp Genetics (formerly Invitae), Labcorp
Classification: Uncertain significance for Niemann-Pick disease, type C2. Last evaluated: 2024-09-30. Review status: criteria provided, single submitter. Criteria: Invitae Variant Classification Sherloc (09022015). Collection method: clinical testing. Allele origin: germline.
Comment: This sequence change replaces valine, which is neutral and non-polar, with methionine, which is neutral and non-polar, at codon 39 of the NPC2 protein (p.Val39Met). The frequency data for this variant in the population databases is considered unreliable, as metrics indicate poor data quality at this position in the gnomAD database. This missense change has been observed in individual(s) with Niemann‚Äö√Ñ√¨Pick disease type C (PMID: 12447927). It has also been observed to segregate with disease in related individuals. ClinVar contains an entry for this variant (Variation ID: 8483). An algorithm developed to predict the effect of missense changes on protein structure and function (PolyPhen-2) suggests that this variant is likely to be disruptive. Experimental studies have shown that this missense change does not substantially affect NPC2 function (PMID: 15937921). In summary, the available evidence is currently insufficient to determine the role of this variant in disease. Therefore, it has been classified as a Variant of Uncertain Significance.

PreventionGenetics, part of Exact Sciences
Classification: Uncertain significance for NPC2-related condition. Last evaluated: 2024-01-30. Review status: no assertion criteria provided. Collection method: clinical testing. Allele origin: germline. Not counted in ClinVar's aggregate classification.
Comment: The NPC2 c.115G>A variant is predicted to result in the amino acid substitution p.Val39Met. In functional studies, the p.Val39Met substitution was reported to result in functionally normal NPC2 protein (Chikh et al. 2005. PubMed ID: 15937921). This variant is reported in 0.0039% of alleles in individuals of European (Non-Finnish) descent in gnomAD. At this time, the clinical significance of this variant is uncertain due to the absence of conclusive functional and genetic evidence.

OMIM
Classification: Pathogenic for NIEMANN-PICK DISEASE, TYPE C2. Last evaluated: 2002-12-01. Review status: no assertion criteria provided. Collection method: literature only. Allele origin: germline. Not counted in ClinVar's aggregate classification.

GeneReviews
No classification provided. Condition: Niemann-Pick disease, type C2. Review status: no classification provided. Collection method: literature only. Allele origin: unknown. Not counted in ClinVar's aggregate classification.

Literature cited by the submitters: PubMed 12447927 (cited by 3 submitters); PubMed 15937921 (cited by Labcorp Genetics (formerly Invitae), Labcorp and GeneReviews); PubMed 20301473 (cited by GeneReviews); NCBI Bookshelf NBK1296 (cited by GeneReviews).